The following is an entry in ClinVar:

ClinVar aggregate classification (germline): Uncertain significance. Review status: criteria provided, multiple submitters, no conflicts (2 of 4 stars). 2 submissions from 2 submitters: Uncertain significance (2). Last evaluated 2022-03-10.

Submissions (2):

GeneDx
Classification: Uncertain significance. Last evaluated: 2022-03-10. Review status: criteria provided, single submitter. Criteria: GeneDx Variant Classification Process June 2021. Collection method: clinical testing. Allele origin: germline. Affected: yes.
Comment: Not observed at significant frequency in large population cohorts (gnomAD); In silico analysis supports that this missense variant has a deleterious effect on protein structure/function; Has not been previously published as pathogenic or benign to our knowledge

CeGaT Center for Human Genetics Tuebingen
Classification: Uncertain significance. Last evaluated: 2021-02-01. Review status: criteria provided, single submitter. Criteria: CeGaT Center For Human Genetics Tuebingen Variant Classification Criteria Version 2. Collection method: clinical testing. Allele origin: germline. Affected: yes. Observed: 1 variant allele.

NM_006517.5(SLC16A2):c.1090G>A (p.Gly364Arg)

Gene: SLC16A2 (solute carrier family 16 member 2; plus strand). Cytogenetic location: Xq13.2.
Variant type: single nucleotide variant.
Coding change: c.1090G>A on transcript NM_006517.5 (MANE Select); coding-DNA position 1090, G replaced by A.
Protein change: p.Gly364Arg; replaces glycine 364 with arginine.
Molecular consequence: missense variant.
Genome position (GRCh38, 1-based): chrX:74,525,813, G>A. VCF-style: chrX-74525813-G-A. GRCh37 (hg19) VCF-style: chrX-73745648-G-A.
Other names: short protein forms G364R.
Identifiers: ClinVar variation 1176312 (VCV001176312.37), dbSNP rs2147870991, ClinGen allele CA413657972.